The following is an entry in ClinVar:

ClinVar aggregate classification (germline): Uncertain significance (1 of 4 stars; one submission).

Allele frequency attached by ClinVar (database versions not stated): TOPMed below 0.00001.

Submission:

GeneDx
Classification: Uncertain significance. Last evaluated: 2022-09-26. Review status: criteria provided, single submitter. Criteria: GeneDx Variant Classification Process June 2021. Collection method: clinical testing. Allele origin: germline. Affected: yes.
Comment: Not observed at significant frequency in large population cohorts (gnomAD); In silico analysis supports a deleterious effect on splicing; Has not been previously published as pathogenic or benign to our knowledge

NM_198060.4(NRAP):c.3186+3G>C

Gene: NRAP (nebulin related anchoring protein; minus strand). Cytogenetic location: 10q25.3.
Variant type: single nucleotide variant.
Coding change: c.3186+3G>C on transcript NM_198060.4 (MANE Select); 3 bases into the intron after coding-DNA position 3186, G replaced by C.
Molecular consequence: intron variant.
Genome position (GRCh38, 1-based): chr10:113,614,836, C>G on the plus strand (G>C on the coding strand, the complement: NRAP is on the minus strand). VCF-style: chr10-113614836-C-G. GRCh37 (hg19) VCF-style: chr10-115374595-C-G.
Other names: c.3081+3G>C (NM_006175.5); c.3078+3G>C (NM_001322945.2); c.3186+3G>C (NM_001261463.2).
Identifiers: ClinVar variation 2446264 (VCV002446264.1), dbSNP rs1847547807, ClinGen allele CA1937441457.
Genomic context (GRCh38, chr10:113,614,836, plus strand): 5'-GGCAAAAGGAGTGAAAACGGGTTAGTGTTGAACATTGTCACAAGAATGGGGGTGAATGCT[C>G]ACATCACTTATGATTTCACCAGAAGCCTTTGCTGCTTGGAATGGAAGGGCATCCAACCTC-3'